The following is an entry in ClinVar:

ClinVar aggregate classification (germline): Uncertain significance (1 of 4 stars; one submission).

Conditions:
MELAS syndrome (MELAS). Also called: Juvenile myopathy, encephalopathy, lactic acidosis, stroke. Identifiers: Orphanet 550, MedGen C0162671, MONDO:0010789, OMIM 540000.

Submission:

Wong Mito Lab, Molecular and Human Genetics, Baylor College of Medicine
Classification: Uncertain significance for MELAS syndrome. Last evaluated: 2019-07-12. Review status: criteria provided, single submitter. Criteria: Modified ACMG Guidelines (Unpublished). Collection method: clinical testing. Allele origin: germline.
Comment: The NC_012920.1:m.579T>C variant in MT-TF gene is interpreted to be a Unknown Significance variant based on the modified ACMG guidelines (unpublished). This variant meets the following evidence codes reported in the guidelines: PP3, PP7

Literature cited by the submitters: PubMed 31965079.

NC_012920.1(MT-TF):m.579T>C

Gene: MT-TF (mitochondrially encoded tRNA phenylalanine; plus strand).
Variant type: single nucleotide variant.
Genome position: chrM-579-T-C.
Identifiers: ClinVar variation 689806 (VCV000689806.1), dbSNP rs1603218447, ClinGen allele CA913175508.